The following is an entry in ClinVar:

NM_002225.5(IVD):c.650dup (p.Ala218fs)

Gene: IVD (isovaleryl-CoA dehydrogenase; plus strand). Cytogenetic location: 15q15.1.
Variant type: Duplication.
Coding change: c.650dup on transcript NM_002225.5 (MANE Select); coding-DNA position 650, one base duplicated (C; older notation c.650dupC).
Protein change: p.Ala218fs; shifts the reading frame from alanine 218.
Molecular consequence: frameshift variant. On other transcripts: non-coding transcript variant (1).
Genome position (GRCh38, 1-based): chr15:40,411,654, C duplicated; the last of 2 consecutive C bases (chr15:40,411,653-40,411,654); duplicating either gives the same sequence. VCF-style (leftmost placement, unchanged base first): chr15-40411652-G-GC. GRCh37 (hg19) VCF-style: chr15-40703851-G-GC.
Other names: c.560dup, p.Ala188fs (NM_001159508.3); c.602dup, p.Ala202fs (NM_001354597.3); c.650dup, p.Ala218fs (NM_001354598.3, NM_001354601.3); c.737dup, p.Ala247fs (NM_001354599.3, NM_001354600.3); short protein forms A188fs, A202fs, A218fs, A247fs.
Identifiers: ClinVar variation 4815003 (VCV004815003.1).
Genomic context (GRCh38, chr15:40,411,652, plus strand): 5'-CACTAATGGCCCTGATGCTGACGTCCTGATTGTCTATGCCAAGACAGATCTGGCTGCTGT[G>GC]CCAGCTTCTCGGGGCATCACAGCCTTCATTGTGGAGAAGGTGAGTATAGGTGGGTGCAGG-3'

ClinVar aggregate classification (germline): Likely pathogenic (1 of 4 stars; one submission).

Conditions:
Isovaleryl-CoA dehydrogenase deficiency (IVA). Also called: ISOVALERIC ACID CoA DEHYDROGENASE DEFICIENCY; Isovaleric acidemia; Classic Isovaleric Acidemia; IVD DEFICIENCY. Identifiers: Orphanet 33, MedGen C0268575, MONDO:0009475, OMIM 243500.

Submission:

Natera, Inc.
Classification: Likely pathogenic for Isovaleryl-coa dehydrogenase deficiency. Last evaluated: 2025-06-26. Review status: criteria provided, single submitter. Criteria: Natera Variant Classification Schema (03/2026). Collection method: clinical testing. Allele origin: germline.
Comment: The c.659dup variant in IVD is a frameshift variant predicted to shift the reading frame beginning at codon 221 and leads to a stop codon 18 codons downstream. This variant is expected to result in nonsense mediated decay, truncation, or a dysfunctional protein product. This variant is rare in the general population with a frequency below the threshold expected for the associated phenotype(s). Given the available evidence, this variant is classified as Likely Pathogenic.